The following is an entry in ClinVar:

NM_015512.5(DNAH1):c.11837T>C (p.Ile3946Thr)

Gene: DNAH1 (dynein axonemal heavy chain 1; plus strand). Cytogenetic location: 3p21.1.
Variant type: single nucleotide variant.
Coding change: c.11837T>C on transcript NM_015512.5 (MANE Select); coding-DNA position 11837, T replaced by C.
Protein change: p.Ile3946Thr; replaces isoleucine 3946 with threonine.
Molecular consequence: missense variant.
Genome position (GRCh38, 1-based): chr3:52,397,756, T>C. VCF-style: chr3-52397756-T-C. GRCh37 (hg19) VCF-style: chr3-52431772-T-C.
Other names: short protein forms I3946T.
Identifiers: ClinVar variation 478404 (VCV000478404.8), dbSNP rs374798612, ClinGen allele CA2436310.

ClinVar aggregate classification (germline): Uncertain significance. Review status: criteria provided, multiple submitters, no conflicts (2 of 4 stars). 3 submissions from 3 submitters: Uncertain significance (3). Last evaluated 2025-06-24.

Conditions:
Spermatogenic failure 18. Identifiers: MedGen C4539783, MONDO:0054615, OMIM 617576.
Ciliary dyskinesia, primary, 37 (CILD37). Also called: CILIARY DYSKINESIA, PRIMARY, 37, WITH OR WITHOUT SITUS INVERSUS. Identifiers: MedGen C4539798, MONDO:0033204, OMIM 617577.
Intellectual disability. Also called: Intellectual functioning disability; Intellectual developmental disorder; intellectual disabilities. Identifiers: MedGen C3714756, MeSH D008607, MONDO:0001071, HP:0001249.

Allele frequency attached by ClinVar (database versions not stated): gnomAD exomes 0.00006 and 0.00009; gnomAD 0.00012 and 0.00013; ExAC 0.00005; ESP Exome Variant Server 0.00008; TOPMed 0.00007.
gnomAD v4.1: 150 of 1,613,666 alleles (0.0093%); highest among the groups gnomAD compares: Non-Finnish European, 0.012%; no homozygotes.

Submissions (3):

Ambry Genetics
Classification: Uncertain significance. Last evaluated: 2025-06-24. Review status: criteria provided, single submitter. Criteria: Ambry Variant Classification Scheme 2023. Collection method: clinical testing. Allele origin: germline.

Labcorp Genetics (formerly Invitae), Labcorp
Classification: Uncertain significance for Ciliary dyskinesia, primary, 37; Spermatogenic failure 18. Last evaluated: 2022-09-07. Review status: criteria provided, single submitter. Criteria: Invitae Variant Classification Sherloc (09022015). Collection method: clinical testing. Allele origin: germline.
Comment: This sequence change replaces isoleucine, which is neutral and non-polar, with threonine, which is neutral and polar, at codon 3946 of the DNAH1 protein (p.Ile3946Thr). This variant is present in population databases (rs374798612, gnomAD 0.01%). This variant has not been reported in the literature in individuals affected with DNAH1-related conditions. ClinVar contains an entry for this variant (Variation ID: 478404). Algorithms developed to predict the effect of missense changes on protein structure and function are either unavailable or do not agree on the potential impact of this missense change (SIFT: "Deleterious"; PolyPhen-2: "Benign"; Align-GVGD: "Class C0"). In summary, the available evidence is currently insufficient to determine the role of this variant in disease. Therefore, it has been classified as a Variant of Uncertain Significance.

Cambridge Genomics Laboratory, East Genomic Laboratory Hub, NHS Genomic Medicine Service
Classification: Uncertain significance for Intellectual disability. Last evaluated: 2020-05-11. Review status: criteria provided, single submitter. Criteria: ACGS Best Practice Guidelines for Variant Classification in Rare Disease 2020. Collection method: clinical testing. Allele origin: germline. Affected: yes. Observed: 1 variant allele.